The following is an entry in ClinVar:

NM_000834.5(GRIN2B):c.2676C>A (p.Asn892Lys)

Gene: GRIN2B (glutamate ionotropic receptor NMDA type subunit 2B; minus strand). Cytogenetic location: 12p13.1.
Variant type: single nucleotide variant.
Coding change: c.2676C>A on transcript NM_000834.5 (MANE Select); coding-DNA position 2676, C replaced by A.
Protein change: p.Asn892Lys; replaces asparagine 892 with lysine.
Molecular consequence: missense variant.
Genome position (GRCh38, 1-based): chr12:13,564,562, G>T on the plus strand (C>A on the coding strand, the complement: GRIN2B is on the minus strand). VCF-style: chr12-13564562-G-T. GRCh37 (hg19) VCF-style: chr12-13717496-G-T.
Other names: short protein forms N892K.
Identifiers: ClinVar variation 1309134 (VCV001309134.2), dbSNP rs2136406314, ClinGen allele CA383994364.

ClinVar aggregate classification (germline): Uncertain significance (1 of 4 stars; one submission).

Submission:

GeneDx
Classification: Uncertain significance. Last evaluated: 2020-10-05. Review status: criteria provided, single submitter. Criteria: GeneDx Variant Classification Process June 2021. Collection method: clinical testing. Allele origin: germline. Affected: yes.
Comment: Not observed in large population cohorts (Lek et al., 2016); In silico analysis, which includes protein predictors and evolutionary conservation, supports a deleterious effect; Has not been previously published as pathogenic or benign to our knowledge